The following is an entry in ClinVar:

ClinVar aggregate classification (germline): Benign. Review status: criteria provided, multiple submitters, no conflicts (2 of 4 stars). 5 submissions from 5 submitters: Benign (5). Last evaluated 2026-02-02.

Conditions:
Cutis laxa with severe pulmonary, gastrointestinal and urinary anomalies. Also called: LTBP4-Related Cutis Laxa; URBAN-RIFKIN-DAVIS SYNDROME; Cutis laxa, autosomal recessive, type IC. Identifiers: Orphanet 221145, MedGen C2750804, MONDO:0013170, OMIM 613177. Disease mechanism: loss of function.

Allele frequency attached by ClinVar (database versions not stated): gnomAD exomes 0.00084 and 0.00228; ExAC 0.00278; ESP Exome Variant Server 0.00626; gnomAD 0.00829 and 0.00894; TOPMed 0.00920; 1000 Genomes Project 0.00958; 1000 Genomes Project 30x 0.00984.

Submissions (5):

Labcorp Genetics (formerly Invitae), Labcorp
Classification: Benign. Last evaluated: 2026-02-02. Review status: criteria provided, single submitter. Criteria: Invitae Variant Classification Sherloc (09022015). Collection method: clinical testing. Allele origin: germline.

Illumina Laboratory Services, Illumina
Classification: Benign for Cutis laxa with severe pulmonary, gastrointestinal and urinary anomalies. Last evaluated: 2018-01-12. Review status: criteria provided, single submitter. Criteria: ICSL Variant Classification Criteria 13 December 2019. Collection method: clinical testing. Allele origin: germline.
Comment: This variant was observed in the ICSL laboratory as part of a predisposition screen in an ostensibly healthy population. It had not been previously curated by ICSL or reported in the Human Gene Mutation Database (HGMD: prior to June 1st, 2018), and was therefore a candidate for classification through an automated scoring system. Utilizing variant allele frequency, disease prevalence and penetrance estimates, and inheritance mode, an automated score was calculated to assess if this variant is too frequent to cause the disease. Based on the score and internal cut-off values, a variant classified as benign is not then subjected to further curation. The score for this variant resulted in a classification of benign for this disease.

GeneDx
Classification: Benign. Last evaluated: 2017-02-27. Review status: criteria provided, single submitter. Criteria: GeneDx Variant Classification (06012015). Collection method: clinical testing. Allele origin: germline. Affected: yes.
Comment: This variant is considered likely benign or benign based on one or more of the following criteria: it is a conservative change, it occurs at a poorly conserved position in the protein, it is predicted to be benign by multiple in silico algorithms, and/or has population frequency not consistent with disease.

Laboratory for Molecular Medicine, Mass General Brigham Personalized Medicine
Classification: Benign. Last evaluated: 2013-02-21. Review status: criteria provided, single submitter. Criteria: LMM Criteria. Collection method: clinical testing. Allele origin: germline. Observed: 1 variant allele.
Comment: Pro723Pro in exon 16 of LTBP4: This variant is not expected to have clinical sig nificance because it does not alter an amino acid residue and is not located wit hin the splice consensus sequence. It has been identified in 2.0% (76/3890) of A frican American chromosomes from a broad population by the NHLBI Exome Sequencin g Project (dbSNP rs140927310).

Breakthrough Genomics
Classification: Benign. Review status: criteria provided, single submitter. Criteria: ACMG Guidelines, 2015. Collection method: not provided. Allele origin: germline. Inheritance: Autosomal recessive inheritance. Affected: yes.

NM_001042545.2(LTBP4):c.1968C>T (p.Pro656=)

Gene: LTBP4 (latent transforming growth factor beta binding protein 4; plus strand). Cytogenetic location: 19q13.2.
Variant type: single nucleotide variant.
Coding change: c.1968C>T on transcript NM_001042545.2 (MANE Select); coding-DNA position 1968, C replaced by T.
Protein change: p.Pro656=; no amino-acid change (proline 656 retained).
Molecular consequence: synonymous variant.
Genome position (GRCh38, 1-based): chr19:40,611,309, C>T. VCF-style: chr19-40611309-C-T. GRCh37 (hg19) VCF-style: chr19-41117215-C-T.
Other names: NM_001042544.1:c.2169C>T; p.Pro723Pro; c.2169C>T, p.Pro723= (NM_001042544.1); c.2058C>T, p.Pro686= (NM_003573.2).
Identifiers: ClinVar variation 506380 (VCV000506380.18), dbSNP rs140927310, ClinGen allele CA9448489.